The following is an entry in ClinVar:

ClinVar aggregate classification (germline): Likely pathogenic (1 of 4 stars; one submission).

gnomAD v4.1: 2 of 1,613,998 alleles (0.00012%); no homozygotes.

Submission:

Labcorp Genetics (formerly Invitae), Labcorp
Classification: Likely pathogenic. Last evaluated: 2023-09-21. Review status: criteria provided, single submitter. Criteria: Invitae Variant Classification Sherloc (09022015). Collection method: clinical testing. Allele origin: germline.
Comment: In summary, the currently available evidence indicates that the variant is pathogenic, but additional data are needed to prove that conclusively. Therefore, this variant has been classified as Likely Pathogenic. This variant disrupts the p.Val423 amino acid residue in ALPL. Other variant(s) that disrupt this residue have been determined to be pathogenic (PMID: 11438998, 18422967, 20089612). This suggests that this residue is clinically significant, and that variants that disrupt this residue are likely to be disease-causing. Advanced modeling of protein sequence and biophysical properties (such as structural, functional, and spatial information, amino acid conservation, physicochemical variation, residue mobility, and thermodynamic stability) performed at Invitae indicates that this missense variant is expected to disrupt ALPL protein function. This variant has not been reported in the literature in individuals affected with ALPL-related conditions. This variant is not present in population databases (gnomAD no frequency). This sequence change replaces valine, which is neutral and non-polar, with methionine, which is neutral and non-polar, at codon 423 of the ALPL protein (p.Val423Met).

Literature cited by the submitters: PubMed 11438998; PubMed 18422967; PubMed 20089612.

NM_000478.6(ALPL):c.1267G>A (p.Val423Met)

Gene: ALPL (alkaline phosphatase, biomineralization associated; plus strand). Cytogenetic location: 1p36.12.
Variant type: single nucleotide variant.
Coding change: c.1267G>A on transcript NM_000478.6 (MANE Select); coding-DNA position 1267, G replaced by A.
Protein change: p.Val423Met; replaces valine 423 with methionine.
Molecular consequence: missense variant.
Genome position (GRCh38, 1-based): chr1:21,576,599, G>A. VCF-style: chr1-21576599-G-A. GRCh37 (hg19) VCF-style: chr1-21903092-G-A.
Other names: c.1102G>A, p.Val368Met (NM_001127501.4); c.1036G>A, p.Val346Met (NM_001177520.3); c.1267G>A, p.Val423Met (NM_001369803.2, NM_001369804.2, NM_001369805.2); short protein forms V423M, V368M, V346M.
Identifiers: ClinVar variation 2739618 (VCV002739618.3), dbSNP rs2545347532, ClinGen allele CA338881822.